The following is an entry in ClinVar:

ClinVar aggregate classification (germline): Uncertain significance. Review status: criteria provided, multiple submitters, no conflicts (2 of 4 stars). 3 submissions from 3 submitters: Uncertain significance (3). Last evaluated 2025-05-22.

Conditions:
Inborn genetic diseases. Identifiers: MedGen C0950123, MeSH D030342.
Familial temporal lobe epilepsy 7. Identifiers: Orphanet 101046, MedGen C4225327, MONDO:0014639, OMIM 616436.
Norman-Roberts syndrome (LIS2). Also called: Lissencephaly 2 (Norman-Roberts type). Identifiers: Orphanet 89844, MedGen C0796089, MONDO:0009760, OMIM 257320.

Allele frequency attached by ClinVar (database versions not stated): gnomAD exomes below 0.00001; TOPMed 0.00001.
gnomAD v4.1: 2 of 1,614,094 alleles (0.00012%); highest among the groups gnomAD compares: Admixed American, 0.0033%; no homozygotes.

Submissions (3):

Labcorp Genetics (formerly Invitae), Labcorp
Classification: Uncertain significance for Familial temporal lobe epilepsy 7; Norman-Roberts syndrome. Last evaluated: 2025-05-22. Review status: criteria provided, single submitter. Criteria: Invitae Variant Classification Sherloc (09022015). Collection method: clinical testing. Allele origin: germline.
Comment: This sequence change replaces asparagine, which is neutral and polar, with serine, which is neutral and polar, at codon 3346 of the RELN protein (p.Asn3346Ser). This variant is present in population databases (no rsID available, gnomAD 0.003%). This variant has not been reported in the literature in individuals affected with RELN-related conditions. ClinVar contains an entry for this variant (Variation ID: 1014204). Invitae Evidence Modeling of protein sequence and biophysical properties (such as structural, functional, and spatial information, amino acid conservation, physicochemical variation, residue mobility, and thermodynamic stability) indicates that this missense variant is not expected to disrupt RELN protein function with a negative predictive value of 80%. In summary, the available evidence is currently insufficient to determine the role of this variant in disease. Therefore, it has been classified as a Variant of Uncertain Significance.

Ambry Genetics
Classification: Uncertain significance for Inborn genetic diseases. Last evaluated: 2024-10-01. Review status: criteria provided, single submitter. Criteria: Ambry Variant Classification Scheme 2023. Collection method: clinical testing. Allele origin: germline.

GeneDx
Classification: Uncertain significance. Last evaluated: 2021-10-01. Review status: criteria provided, single submitter. Criteria: GeneDx Variant Classification Process June 2021. Collection method: clinical testing. Allele origin: germline. Affected: yes.
Comment: Not observed at significant frequency in large population cohorts (Lek et al., 2016); In silico analysis supports that this missense variant does not alter protein structure/function; Has not been previously published as pathogenic or benign to our knowledge

NM_005045.4(RELN):c.10037A>G (p.Asn3346Ser)

Genes: RELN (reelin; minus strand), SLC26A5-AS1 (SLC26A5 antisense RNA 1; plus strand). Cytogenetic location: 7q22.1.
Variant type: single nucleotide variant.
Coding change: c.10037A>G on transcript NM_005045.4 (MANE Select); coding-DNA position 10037, A replaced by G.
Protein change: p.Asn3346Ser; replaces asparagine 3346 with serine.
Molecular consequence: missense variant.
Genome position (GRCh38, 1-based): chr7:103,483,797, T>C on the plus strand (A>G on the coding strand, the complement: RELN is on the minus strand). VCF-style: chr7-103483797-T-C. GRCh37 (hg19) VCF-style: chr7-103124244-T-C.
Other names: c.10037A>G, p.Asn3346Ser (NM_173054.3); short protein forms N3346S.
Identifiers: ClinVar variation 1014204 (VCV001014204.9), dbSNP rs1192573356, ClinGen allele CA368739194.
Genomic context (GRCh38, chr7:103,483,797, plus strand): 5'-TTGACGCTGTATTGCAGCAGCACTGCCTTGTCCACAGCGTGGGGGCCACTCAGGTCACTG[T>C]TGCAGCTGTCCGTCTGCGACATGCTCCCAATTTGCAAAACAAACATGATTTTGCTGAAAA-3'
Protein context (NP_005036.2, residues 3336-3356): IGSMSQTDSC[Asn3346Ser]SDLSGPHAVD